The following is an entry in ClinVar:

ClinVar aggregate classification (germline): Uncertain significance (1 of 4 stars; one submission).

Allele frequency attached by ClinVar (database versions not stated): TOPMed 0.00001.

Submission:

Labcorp Genetics (formerly Invitae), Labcorp
Classification: Uncertain significance. Last evaluated: 2022-01-15. Review status: criteria provided, single submitter. Criteria: Invitae Variant Classification Sherloc (09022015). Collection method: clinical testing. Allele origin: germline.
Comment: In summary, the available evidence is currently insufficient to determine the role of this variant in disease. Therefore, it has been classified as a Variant of Uncertain Significance. Algorithms developed to predict the effect of missense changes on protein structure and function (SIFT, PolyPhen-2, Align-GVGD) all suggest that this variant is likely to be tolerated. This variant has not been reported in the literature in individuals affected with CREB3L1-related conditions. The frequency data for this variant in the population databases is considered unreliable, as metrics indicate poor data quality at this position in the gnomAD database. This sequence change replaces methionine, which is neutral and non-polar, with leucine, which is neutral and non-polar, at codon 153 of the CREB3L1 protein (p.Met153Leu).

NM_052854.4(CREB3L1):c.457A>T (p.Met153Leu)

Gene: CREB3L1 (cAMP responsive element binding protein 3 like 1; plus strand). Cytogenetic location: 11p11.2.
Variant type: single nucleotide variant.
Coding change: c.457A>T on transcript NM_052854.4 (MANE Select); coding-DNA position 457, A replaced by T.
Protein change: p.Met153Leu; replaces methionine 153 with leucine.
Molecular consequence: missense variant.
Genome position (GRCh38, 1-based): chr11:46,307,941, A>T. VCF-style: chr11-46307941-A-T. GRCh37 (hg19) VCF-style: chr11-46329492-A-T.
Other names: short protein forms M153L.
Identifiers: ClinVar variation 2083658 (VCV002083658.2), dbSNP rs777966861, ClinGen allele CA380216742.